The following is an entry in ClinVar:

ClinVar aggregate classification (germline): Pathogenic/Likely pathogenic. Review status: criteria provided, multiple submitters, no conflicts (2 of 4 stars). 4 submissions from 4 submitters: Pathogenic (1); Likely pathogenic (3). Last evaluated 2024-10-28.

Conditions:
Galactosemia. Also called: Galactose intolerance. Identifiers: Orphanet 352, MedGen C0016952, MONDO:0018116, HP:0004919. Disease mechanism: loss of function.
Deficiency of UDPglucose-hexose-1-phosphate uridylyltransferase. Also called: GALACTOSEMIA I; Transferase Deficiency Galactosemia; GALACTOSE-1-PHOSPHATE URIDYLYLTRANSFERASE DEFICIENCY; GALT deficiency; Galactosemia, classic. Identifiers: Orphanet 352, Orphanet 79239, MedGen C0268151, MONDO:0009258, OMIM 230400.

Allele frequency attached by ClinVar (database versions not stated): gnomAD exomes below 0.00001.

Submissions (4):

Natera, Inc.
Classification: Likely pathogenic for Galactosemia. Last evaluated: 2024-10-28. Review status: criteria provided, single submitter. Criteria: Natera Variant Classification Schema (03/2026). Collection method: clinical testing. Allele origin: germline.
Comment: The c.598C>T variant in GALT is a nonsense variant predicted to introduce a stop codon at amino acid 200. This variant is expected to result in nonsense mediated decay, truncation, or a dysfunctional protein product. This variant is rare in the general population with a frequency below the threshold expected for the associated phenotype(s). Given the available evidence, this variant is classified as Likely Pathogenic.

Labcorp Genetics (formerly Invitae), Labcorp
Classification: Pathogenic for Deficiency of UDPglucose-hexose-1-phosphate uridylyltransferase. Last evaluated: 2024-09-02. Review status: criteria provided, single submitter. Criteria: Invitae Variant Classification Sherloc (09022015). Collection method: clinical testing. Allele origin: germline.
Comment: This sequence change creates a premature translational stop signal (p.Gln200*) in the GALT gene. It is expected to result in an absent or disrupted protein product. Loss-of-function variants in GALT are known to be pathogenic (PMID: 22944367). This variant is not present in population databases (gnomAD no frequency). This variant has not been reported in the literature in individuals affected with GALT-related conditions. ClinVar contains an entry for this variant (Variation ID: 633236). For these reasons, this variant has been classified as Pathogenic.

Fulgent Genetics
Classification: Likely pathogenic for Deficiency of UDPglucose-hexose-1-phosphate uridylyltransferase. Last evaluated: 2024-06-22. Review status: criteria provided, single submitter. Criteria: ACMG Guidelines, 2015. Collection method: clinical testing. Allele origin: germline.

Women's Health and Genetics/Laboratory Corporation of America, LabCorp
Classification: Likely pathogenic for Deficiency of UDPglucose-hexose-1-phosphate uridylyltransferase. Last evaluated: 2018-04-24. Review status: criteria provided, single submitter. Criteria: LabCorp Variant Classification Summary - May 2015. Collection method: clinical testing. Allele origin: germline.
Comment: Variant summary: GALT c.598C>T (p.Gln200X) results in a premature termination codon, predicted to cause a truncation of the encoded protein or absence of the protein due to nonsense mediated decay, which are commonly known mechanisms for disease. Truncations downstream of this position have been classified as pathogenic by our laboratory (eg. c.610C>T, p.Arg204X; c.947G>A, p.Trp316X). The variant was absent in 121398 control chromosomes. To our knowledge, no occurrence of c.598C>T in individuals affected with and no experimental evidence demonstrating its impact on protein function have been reported. No clinical diagnostic laboratories have submitted clinical-significance assessments for this variant to ClinVar after 2014. Based on the evidence outlined above, the variant was classified as likely pathogenic.

Literature cited by the submitters: PubMed 22944367 (cited by Labcorp Genetics (formerly Invitae), Labcorp).

NM_000155.4(GALT):c.598C>T (p.Gln200Ter)

Gene: GALT (galactose-1-phosphate uridylyltransferase; plus strand). Cytogenetic location: 9p13.3.
Variant type: single nucleotide variant.
Coding change: c.598C>T on transcript NM_000155.4 (MANE Select); coding-DNA position 598, C replaced by T.
Protein change: p.Gln200Ter; replaces glutamine 200 with a stop codon.
Molecular consequence: nonsense.
Genome position (GRCh38, 1-based): chr9:34,648,367, C>T. VCF-style: chr9-34648367-C-T. GRCh37 (hg19) VCF-style: chr9-34648364-C-T.
Other names: c.271C>T, p.Gln91Ter (NM_001258332.2); short protein forms Q200*, Q91*.
Identifiers: ClinVar variation 633236 (VCV000633236.11), dbSNP rs1564101619, ClinGen allele CA373281978.
Genomic context (GRCh38, chr9:34,648,367, plus strand): 5'-TTCTTCTCTGCTTTTGCCCCTTGACAGGTATGGGCCAGCAGTTTCCTGCCAGATATTGCC[C>T]AGCGTGAGGAGCGATCTCAGCAGGCCTATAAGAGTCAGCATGGAGAGCCCCTGCTAATGG-3'